The following is an entry in ClinVar:

ClinVar aggregate classification (germline): Benign. Review status: criteria provided, multiple submitters, no conflicts (2 of 4 stars). 3 submissions from 3 submitters: Benign (3). Last evaluated 2025-10-01.

Allele frequency attached by ClinVar (database versions not stated): 1000 Genomes Project 0.00200; 1000 Genomes Project 30x 0.00219; TOPMed 0.00220; gnomAD 0.00255 and 0.00276; ESP Exome Variant Server 0.00300; gnomAD exomes 0.00403 and 0.00430; ExAC 0.00483.
gnomAD v4.1: 6,261 of 1,613,746 alleles (0.39%); highest among the groups gnomAD compares: South Asian, 1.2%; 39 homozygotes.

Submissions (3):

CeGaT Center for Human Genetics Tuebingen
Classification: Benign. Last evaluated: 2025-10-01. Review status: criteria provided, single submitter. Criteria: CeGaT Center For Human Genetics Tuebingen Variant Classification Criteria Version 2. Collection method: clinical testing. Allele origin: germline. Affected: yes. Observed: 4 variant alleles.
Comment: ANGPT2: BP4, BS1, BS2

Labcorp Genetics (formerly Invitae), Labcorp
Classification: Benign. Last evaluated: 2019-12-31. Review status: criteria provided, single submitter. Criteria: Invitae Variant Classification Sherloc (09022015). Collection method: clinical testing. Allele origin: germline.

Breakthrough Genomics
Classification: Benign. Review status: criteria provided, single submitter. Criteria: ACMG Guidelines, 2015. Collection method: not provided. Allele origin: germline. Inheritance: Autosomal dominant inheritance. Affected: yes.

NM_001118887.2(ANGPT2):c.929C>T (p.Ala310Val)

Genes: ANGPT2 (angiopoietin 2; minus strand), MCPH1 (microcephalin 1; plus strand). Cytogenetic location: 8p23.1.
Variant type: single nucleotide variant.
Coding change: c.929C>T on transcript NM_001118887.2 (MANE Select); coding-DNA position 929, C replaced by T.
Protein change: p.Ala310Val; replaces alanine 310 with valine.
Molecular consequence: missense variant. On other transcripts: intron variant (6).
Genome position (GRCh38, 1-based): chr8:6,514,777, G>A on the plus strand (C>T on the coding strand, the complement: ANGPT2 is on the minus strand). VCF-style: chr8-6514777-G-A. GRCh37 (hg19) VCF-style: chr8-6372298-G-A.
Other names: c.776C>T, p.Ala259Val (NM_001118888.2); c.932C>T, p.Ala311Val (NM_001147.3, NM_001386336.1); c.773C>T, p.Ala258Val (NM_001386335.1); c.929C>T, p.Ala310Val (NM_001386337.1); c.2214+14848G>A (NM_001322042.2, NM_024596.5, NM_001363979.1 and 2 more transcripts); c.1935+59525G>A (NM_001363980.2); short protein forms A259V, A311V, A310V, A258V.
Identifiers: ClinVar variation 788548 (VCV000788548.26), dbSNP rs145141058, ClinGen allele CA4611091.